The following is an entry in ClinVar:

NM_032444.4(SLX4):c.1163+5G>T

Gene: SLX4 (SLX4 structure-specific endonuclease subunit; minus strand). Cytogenetic location: 16p13.3.
Variant type: single nucleotide variant.
Coding change: c.1163+5G>T on transcript NM_032444.4 (MANE Select); 5 bases into the intron after coding-DNA position 1163, G replaced by T.
Molecular consequence: intron variant.
Genome position (GRCh38, 1-based): chr16:3,600,974, C>A on the plus strand (G>T on the coding strand, the complement: SLX4 is on the minus strand). VCF-style: chr16-3600974-C-A. GRCh37 (hg19) VCF-style: chr16-3650975-C-A.
Identifiers: ClinVar variation 940995 (VCV000940995.7), dbSNP rs762454252, ClinGen allele CA7866623.

ClinVar aggregate classification (germline): Uncertain significance. Review status: criteria provided, multiple submitters, no conflicts (2 of 4 stars). 2 submissions from 2 submitters: Uncertain significance (2). Last evaluated 2024-09-18.

Conditions:
Fanconi anemia complementation group P. Also called: SLX4-Related Fanconi Anemia. Identifiers: Orphanet 84, MedGen C3469542, MONDO:0013499, OMIM 613951.
Fanconi anemia (FA). Also called: Fanconi's anemia. Identifiers: Orphanet 84, MedGen C0015625, MeSH D005199, MONDO:0019391.

Allele frequency attached by ClinVar (database versions not stated): ExAC 0.00002; gnomAD exomes 0.00002; TOPMed 0.00002.
gnomAD v4.1: 6 of 1,613,348 alleles (0.00037%); highest among the groups gnomAD compares: Admixed American, 0.01%; no homozygotes.

Submissions (2):

Labcorp Genetics (formerly Invitae), Labcorp
Classification: Uncertain significance for Fanconi anemia. Last evaluated: 2024-09-18. Review status: criteria provided, single submitter. Criteria: Invitae Variant Classification Sherloc (09022015). Collection method: clinical testing. Allele origin: germline.
Comment: This sequence change falls in intron 5 of the SLX4 gene. It does not directly change the encoded amino acid sequence of the SLX4 protein. It affects a nucleotide within the consensus splice site. This variant is present in population databases (rs762454252, gnomAD 0.01%). This variant has not been reported in the literature in individuals affected with SLX4-related conditions. ClinVar contains an entry for this variant (Variation ID: 940995). Variants that disrupt the consensus splice site are a relatively common cause of aberrant splicing (PMID: 17576681, 9536098). Algorithms developed to predict the effect of sequence changes on RNA splicing suggest that this variant is not likely to affect RNA splicing. In summary, the available evidence is currently insufficient to determine the role of this variant in disease. Therefore, it has been classified as a Variant of Uncertain Significance.

Fulgent Genetics
Classification: Uncertain significance for Fanconi anemia complementation group P. Last evaluated: 2022-02-11. Review status: criteria provided, single submitter. Criteria: ACMG Guidelines, 2015. Collection method: clinical testing. Allele origin: unknown.

Literature cited by the submitters: PubMed 17576681 (cited by Labcorp Genetics (formerly Invitae), Labcorp); PubMed 9536098 (cited by Labcorp Genetics (formerly Invitae), Labcorp).